The following is an entry in ClinVar:

NM_014550.4(CARD10):c.1440C>T (p.Ser480=)

Gene: CARD10 (caspase recruitment domain family member 10; minus strand). Cytogenetic location: 22q13.1.
Variant type: single nucleotide variant.
Coding change: c.1440C>T on transcript NM_014550.4 (MANE Select); coding-DNA position 1440, C replaced by T.
Protein change: p.Ser480=; no amino-acid change (serine 480 retained).
Molecular consequence: synonymous variant.
Genome position (GRCh38, 1-based): chr22:37,504,713, G>A on the plus strand (C>T on the coding strand, the complement: CARD10 is on the minus strand). VCF-style: chr22-37504713-G-A. GRCh37 (hg19) VCF-style: chr22-37900720-G-A.
Other names: NC_000022.10:g.37900720G>A.
Identifiers: ClinVar variation 3050006 (VCV003050006.3), dbSNP rs150575230, ClinGen allele CA10219837.

ClinVar aggregate classification (germline): Benign (0 of 4 stars; one submission).

Conditions:
CARD10-related disorder. Also called: CARD10-related condition.

Allele frequency attached by ClinVar (database versions not stated): 1000 Genomes Project 0.00020; 1000 Genomes Project 30x 0.00031; ESP Exome Variant Server 0.00069; gnomAD 0.00078; TOPMed 0.00090; ExAC 0.00092.
gnomAD v4.1: 1,186 of 1,583,712 alleles (0.075%); highest among the groups gnomAD compares: Middle Eastern, 0.1%; 11 homozygotes.

Submissions (12):

PreventionGenetics, part of Exact Sciences
Classification: Benign for CARD10-related condition. Last evaluated: 2019-03-06. Review status: no assertion criteria provided. Collection method: clinical testing. Allele origin: germline.
Comment: This variant is classified as benign based on ACMG/AMP sequence variant interpretation guidelines (Richards et al. 2015 PMID: 25741868, with internal and published modifications).

Dr. Peter K. Rogan Lab, Western University
No classification provided (evidence only). Condition: Clear cell carcinoma of kidney. Review status: no classification provided. Collection method: in vitro. Allele origin: not applicable. Functional consequence: retained intron. Not counted in ClinVar's aggregate classification.

Dr. Peter K. Rogan Lab, Western University
No classification provided (evidence only). Condition: Lung cancer. Review status: no classification provided. Collection method: in vitro. Allele origin: not applicable. Functional consequence: retained intron. Not counted in ClinVar's aggregate classification.

Dr. Peter K. Rogan Lab, Western University
No classification provided (evidence only). Condition: Melanoma. Review status: no classification provided. Collection method: in vitro. Allele origin: not applicable. Functional consequence: retained intron. Not counted in ClinVar's aggregate classification.

Dr. Peter K. Rogan Lab, Western University
No classification provided (evidence only). Condition: Colon adenocarcinoma. Review status: no classification provided. Collection method: in vitro. Allele origin: not applicable. Functional consequence: retained intron. Not counted in ClinVar's aggregate classification.

Dr. Peter K. Rogan Lab, Western University
No classification provided (evidence only). Condition: Colon adenocarcinoma. Review status: no classification provided. Collection method: in vitro. Allele origin: not applicable. Functional consequence: retained intron. Not counted in ClinVar's aggregate classification.

Dr. Peter K. Rogan Lab, Western University
No classification provided (evidence only). Condition: Colon adenocarcinoma. Review status: no classification provided. Collection method: in vitro. Allele origin: not applicable. Functional consequence: retained intron. Not counted in ClinVar's aggregate classification.

Dr. Peter K. Rogan Lab, Western University
No classification provided (evidence only). Condition: Thyroid cancer, nonmedullary, 1. Review status: no classification provided. Collection method: in vitro. Allele origin: not applicable. Functional consequence: retained intron. Not counted in ClinVar's aggregate classification.

Dr. Peter K. Rogan Lab, Western University
No classification provided (evidence only). Condition: Thyroid cancer, nonmedullary, 1. Review status: no classification provided. Collection method: in vitro. Allele origin: not applicable. Functional consequence: retained intron. Not counted in ClinVar's aggregate classification.

Dr. Peter K. Rogan Lab, Western University
No classification provided (evidence only). Condition: Sarcoma. Review status: no classification provided. Collection method: in vitro. Allele origin: not applicable. Functional consequence: retained intron. Not counted in ClinVar's aggregate classification.

Dr. Peter K. Rogan Lab, Western University
No classification provided (evidence only). Condition: Sarcoma. Review status: no classification provided. Collection method: in vitro. Allele origin: not applicable. Functional consequence: retained intron. Not counted in ClinVar's aggregate classification.

Dr. Peter K. Rogan Lab, Western University
No classification provided (evidence only). Condition: Sarcoma. Review status: no classification provided. Collection method: in vitro. Allele origin: not applicable. Functional consequence: retained intron. Not counted in ClinVar's aggregate classification.